The following is an entry in ClinVar:

NM_014738.6(TMEM94):c.2319C>T (p.Pro773=)

Gene: TMEM94 (transmembrane protein 94; plus strand). Cytogenetic location: 17q25.1.
Variant type: single nucleotide variant.
Coding change: c.2319C>T on transcript NM_014738.6 (MANE Select); coding-DNA position 2319, C replaced by T.
Protein change: p.Pro773=; no amino-acid change (proline 773 retained).
Molecular consequence: synonymous variant.
Genome position (GRCh38, 1-based): chr17:75,493,828, C>T. VCF-style: chr17-75493828-C-T. GRCh37 (hg19) VCF-style: chr17-73489909-C-T.
Other names: c.2349C>T, p.Pro783= (NM_001321148.2, NM_001351203.2); c.2331C>T, p.Pro777= (NM_001321149.2); c.2271C>T, p.Pro757= (NM_001351202.2).
Identifiers: ClinVar variation 3052143 (VCV003052143.2), dbSNP rs537704151, ClinGen allele CA8762125.

ClinVar aggregate classification (germline): Likely benign (0 of 4 stars; one submission).

Conditions:
TMEM94-related disorder. Also called: TMEM94-related condition.

Allele frequency attached by ClinVar (database versions not stated): TOPMed 0.00003; gnomAD 0.00005; gnomAD exomes 0.00006; ExAC 0.00011; 1000 Genomes Project 0.00040; 1000 Genomes Project 30x 0.00047.
gnomAD v4.1: 98 of 1,613,756 alleles (0.0061%); highest among the groups gnomAD compares: South Asian, 0.066%; 1 homozygote.

Submission:

PreventionGenetics, part of Exact Sciences
Classification: Likely benign for TMEM94-related condition. Last evaluated: 2020-02-04. Review status: no assertion criteria provided. Collection method: clinical testing. Allele origin: germline.
Comment: This variant is classified as likely benign based on ACMG/AMP sequence variant interpretation guidelines (Richards et al. 2015 PMID: 25741868, with internal and published modifications).